The following is an entry in ClinVar:

ClinVar aggregate classification (germline): Pathogenic (1 of 4 stars; one submission).

Conditions:
Multiple sulfatase deficiency (MSD). Also called: Mucosulfatidosis; Multiple Sulfatase Deficiency Disease; Sulfatidosis, Juvenile, Austin Type. Identifiers: Orphanet 585, MedGen C0268263, MONDO:0010088, OMIM 272200.

Submission:

Myriad Genetics, Inc.
Classification: Pathogenic for Multiple sulfatase deficiency. Last evaluated: 2024-10-04. Review status: criteria provided, single submitter. Criteria: Myriad Autosomal Dominant, Autosomal Recessive and X-Linked Classification Criteria (2023). Collection method: clinical testing. Allele origin: unknown.
Comment: NM_182760.3(SUMF1):c.783G>A(W261*) is expected to be pathogenic in the context of multiple sulfatase deficiency. This variant is predicted to lead to an abnormal or absent protein product due to the creation of a premature termination codon in SUMF1, a gene where loss-of-function variants are known to be pathogenic. Please note: this variant was assessed in the context of healthy population screening.

NM_182760.4(SUMF1):c.783G>A (p.Trp261Ter)

Gene: SUMF1 (sulfatase modifying factor 1; minus strand). Cytogenetic location: 3p26.1.
Variant type: single nucleotide variant.
Coding change: c.783G>A on transcript NM_182760.4 (MANE Select); coding-DNA position 783, G replaced by A.
Protein change: p.Trp261Ter; replaces tryptophan 261 with a stop codon.
Molecular consequence: nonsense.
Genome position (GRCh38, 1-based): chr3:4,417,185, C>T on the plus strand (G>A on the coding strand, the complement: SUMF1 is on the minus strand). VCF-style: chr3-4417185-C-T. GRCh37 (hg19) VCF-style: chr3-4458869-C-T.
Other names: c.708G>A, p.Trp236Ter (NM_001164674.2); c.783G>A, p.Trp261Ter (NM_001164675.2); short protein forms W236*, W261*.
Identifiers: ClinVar variation 5013610 (VCV005013610.1).